The following is an entry in ClinVar:

NM_005215.4(DCC):c.1062C>T (p.Val354=)

Gene: DCC (DCC netrin 1 receptor; plus strand). Cytogenetic location: 18q21.2.
Variant type: single nucleotide variant.
Coding change: c.1062C>T on transcript NM_005215.4 (MANE Select); coding-DNA position 1062, C replaced by T.
Protein change: p.Val354=; no amino-acid change (valine 354 retained).
Molecular consequence: synonymous variant.
Genome position (GRCh38, 1-based): chr18:53,063,381, C>T. VCF-style: chr18-53063381-C-T. GRCh37 (hg19) VCF-style: chr18-50589751-C-T.
Identifiers: ClinVar variation 773345 (VCV000773345.36), dbSNP rs141716650, ClinGen allele CA8966733.

ClinVar aggregate classification (germline): Benign/Likely benign. Review status: criteria provided, multiple submitters, no conflicts (2 of 4 stars). 4 submissions from 4 submitters: Benign (3); Likely benign (1). Last evaluated 2026-09-01.

Conditions:
Gaze palsy, familial horizontal, with progressive scoliosis, 2. Also called: GAZE PALSY, FAMILIAL HORIZONTAL, WITH PROGRESSIVE SCOLIOSIS 2, WITH IMPAIRED INTELLECTUAL DEVELOPMENT; DEVELOPMENTAL SPLIT-BRAIN SYNDROME. Identifiers: MedGen C4479640, MONDO:0054602, OMIM 617542.
Mirror movements 1 (MRMV1). Identifiers: Orphanet 238722, MedGen C1834870, OMIM 157600, MONDO:0008002.
Malignant tumor of esophagus. Also called: Esophageal cancer; Esophageal cancer, somatic. Identifiers: Orphanet 99977, MedGen C0546837, MONDO:0007576, OMIM 133239.
Colorectal cancer. Also called: Malignant Colorectal Neoplasm; Colorectal cancer, somatic. Identifiers: MedGen C0346629, MONDO:0005575, OMIM 114500.

Allele frequency attached by ClinVar (database versions not stated): ESP Exome Variant Server 0.00415; TOPMed 0.00416; 1000 Genomes Project 30x 0.00531; gnomAD 0.00555 and 0.00589; gnomAD exomes 0.00595 and 0.00757; 1000 Genomes Project 0.00619; ExAC 0.00781.
gnomAD v4.1: 9,692 of 1,612,536 alleles (0.6%); highest among the groups gnomAD compares: Middle Eastern, 2.8%; 63 homozygotes.

Submissions (4):

CeGaT Center for Human Genetics Tuebingen
Classification: Benign. Last evaluated: 2026-09-01. Review status: criteria provided, single submitter. Criteria: CeGaT Center For Human Genetics Tuebingen Variant Classification Criteria Version 2. Collection method: clinical testing. Allele origin: germline. Affected: yes. Observed: 12 variant alleles.
Comment: DCC: BP4, BP7, BS1, BS2

Fulgent Genetics
Classification: Likely benign for Colorectal cancer; Malignant tumor of esophagus; Mirror movements 1; Gaze palsy, familial horizontal, with progressive scoliosis, 2. Last evaluated: 2021-10-11. Review status: criteria provided, single submitter. Criteria: ACMG Guidelines, 2015. Collection method: clinical testing. Allele origin: unknown.

Labcorp Genetics (formerly Invitae), Labcorp
Classification: Benign. Last evaluated: 2019-12-31. Review status: criteria provided, single submitter. Criteria: Invitae Variant Classification Sherloc (09022015). Collection method: clinical testing. Allele origin: germline.

Breakthrough Genomics
Classification: Benign. Review status: criteria provided, single submitter. Criteria: ACMG Guidelines, 2015. Collection method: not provided. Allele origin: germline. Inheritance: Autosomal recessive inheritance. Affected: yes.